The following is an entry in ClinVar:

NM_201599.3(ZMYM3):c.671_674dup (p.Leu226fs)

Gene: ZMYM3 (zinc finger MYM-type containing 3; minus strand). Cytogenetic location: Xq13.1.
Variant type: Duplication.
Coding change: c.671_674dup on transcript NM_201599.3 (MANE Select); coding-DNA positions 671 to 674, 4 bases duplicated (ATGG; older notation c.671_674dupATGG).
Protein change: p.Leu226fs; shifts the reading frame from leucine 226.
Molecular consequence: frameshift variant.
Genome position (GRCh38, 1-based): chrX:71,251,595-71,251,598, CCAT duplicated on the plus strand (ATGG on the coding strand, the reverse complement: ZMYM3 is on the minus strand); duplicating any 4 consecutive bases within chrX:71,251,595-71,251,599 gives the same sequence; the c. name uses the placement nearest the transcript's 3' end. VCF-style (leftmost placement, unchanged base first): chrX-71251594-G-GCCAT. GRCh37 (hg19) VCF-style: chrX-70471444-G-GCCAT.
Other names: c.671_674dup, p.Leu226fs (NM_001171162.1, NM_001171163.1, NM_005096.3); short protein forms L226fs.
Identifiers: ClinVar variation 2429659 (VCV002429659.1), dbSNP rs2519844254, ClinGen allele CA2580101320.

ClinVar aggregate classification (germline): Uncertain significance (1 of 4 stars; one submission).

Submission:

GeneDx
Classification: Uncertain significance. Last evaluated: 2023-02-08. Review status: criteria provided, single submitter. Criteria: GeneDx Variant Classification Process June 2021. Collection method: clinical testing. Allele origin: germline. Affected: yes.
Comment: Frameshift variant predicted to result in protein truncation or nonsense mediated decay in a gene for which loss-of-function is not a known mechanism of disease; Not observed in large population cohorts (gnomAD); This variant is associated with the following publications: (PMID: 36586412)